The following is an entry in ClinVar:

NM_000059.4(BRCA2):c.4653dup (p.Gly1552fs)

Gene: BRCA2 (BRCA2 DNA repair associated; plus strand). Cytogenetic location: 13q13.1.
Variant type: Duplication.
Coding change: c.4653dup on transcript NM_000059.4 (MANE Select); coding-DNA position 4653, one base duplicated (A; older notation c.4653dupA).
Protein change: p.Gly1552fs; shifts the reading frame from glycine 1552.
Molecular consequence: frameshift variant. On other transcripts: non-coding transcript variant (1), intron variant (2).
Genome position (GRCh38, 1-based): chr13:32,339,008, A duplicated; the last of 2 consecutive A bases (chr13:32,339,007-32,339,008); duplicating either gives the same sequence. VCF-style (leftmost placement, unchanged base first): chr13-32339006-C-CA. GRCh37 (hg19) VCF-style: chr13-32913143-C-CA.
Other names: c.4653dup, p.Gly1552fs (NM_001406719.1, NM_001406720.1, NM_001432077.1); c.1910-5550dup (NM_001406721.1); c.425-5550dup (NM_001406722.1); c.4653dupA (NM_000059.3); short protein forms G1552fs.
Identifiers: ClinVar variation 5033249 (VCV005033249.1).
Genomic context (GRCh38, chr13:32,339,006, plus strand): 5'-AAAGTTAAAATTGCAAAGGAATCTTTGGACAAAGTGAAAAACCTTTTTGATGAAAAAGAG[C>CA]AAGGTACTAGTGAAATCACCAGTTTTAGCCATCAATGGGCAAAGACCCTAAAGTACAGAG-3'

ClinVar aggregate classification (germline): Pathogenic (1 of 4 stars; one submission).

Conditions:
Hereditary cancer-predisposing syndrome. Also called: Neoplastic Syndromes, Hereditary; Tumor predisposition; Hereditary neoplastic syndrome; Hereditary Cancer Syndrome. Identifiers: Orphanet 140162, MedGen C0027672, MeSH D009386, MONDO:0015356.

Submission:

Ambry Genetics
Classification: Pathogenic for Hereditary cancer-predisposing syndrome. Last evaluated: 2026-06-29. Review status: criteria provided, single submitter. Criteria: Ambry Variant Classification Scheme 2023. Collection method: clinical testing. Allele origin: germline.
Comment: The c.4653dupA pathogenic mutation, located in coding exon 10 of the BRCA2 gene, results from a duplication of A at nucleotide position 4653, causing a translational frameshift with a predicted alternate stop codon (p.G1552Rfs*3). This variant is considered to be rare based on population cohorts in the Genome Aggregation Database (gnomAD). This alteration is expected to result in loss of function by premature protein truncation or nonsense-mediated mRNA decay. As such, this alteration is interpreted as a disease-causing mutation.